The following is an entry in ClinVar:

NM_000264.5(PTCH1):c.3133G>A (p.Val1045Ile)

Gene: PTCH1 (patched 1; minus strand). Cytogenetic location: 9q22.32.
Variant type: single nucleotide variant.
Coding change: c.3133G>A on transcript NM_000264.5 (MANE Select); coding-DNA position 3133, G replaced by A.
Protein change: p.Val1045Ile; replaces valine 1045 with isoleucine.
Molecular consequence: missense variant. On other transcripts: non-coding transcript variant (1).
Genome position (GRCh38, 1-based): chr9:95,458,048, C>T on the plus strand (G>A on the coding strand, the complement: PTCH1 is on the minus strand). VCF-style: chr9-95458048-C-T. GRCh37 (hg19) VCF-style: chr9-98220330-C-T.
Other names: c.2935G>A, p.Val979Ile (NM_001083602.3); c.3130G>A, p.Val1044Ile (NM_001083603.3); c.2680G>A, p.Val894Ile (NM_001083604.3, NM_001083605.3, NM_001083606.3 and 1 more transcripts); c.2977G>A, p.Val993Ile (NM_001354918.2); short protein forms V1044I, V1045I, V894I, V979I, V993I.
Identifiers: ClinVar variation 3231004 (VCV003231004.1), dbSNP rs2538067008, ClinGen allele CA374112321.

ClinVar aggregate classification (germline): Uncertain significance (1 of 4 stars; one submission).

Conditions:
Hereditary cancer-predisposing syndrome. Also called: Neoplastic Syndromes, Hereditary; Tumor predisposition; Hereditary neoplastic syndrome; Hereditary Cancer Syndrome. Identifiers: Orphanet 140162, MedGen C0027672, MeSH D009386, MONDO:0015356.

Allele frequency attached by ClinVar (database versions not stated): gnomAD exomes below 0.00001.
gnomAD v4.1: 1 of 1,614,196 alleles (0.000062%); highest among the groups gnomAD compares: East Asian, 0.0022%; no homozygotes.

Submission:

Ambry Genetics
Classification: Uncertain significance for Hereditary cancer-predisposing syndrome. Last evaluated: 2023-09-23. Review status: criteria provided, single submitter. Criteria: Ambry Variant Classification Scheme 2023. Collection method: clinical testing. Allele origin: germline.
Comment: The p.V1045I variant (also known as c.3133G>A), located in coding exon 18 of the PTCH1 gene, results from a G to A substitution at nucleotide position 3133. The valine at codon 1045 is replaced by isoleucine, an amino acid with highly similar properties. This amino acid position is conserved. In addition, this alteration is predicted to be tolerated by in silico analysis. Since supporting evidence is limited at this time, the clinical significance of this alteration remains unclear.